The following is an entry in ClinVar:

NM_001368809.2(AMPD2):c.428A>G (p.Tyr143Cys)

Gene: AMPD2 (adenosine monophosphate deaminase 2; plus strand). Cytogenetic location: 1p13.3.
Variant type: single nucleotide variant.
Coding change: c.428A>G on transcript NM_001368809.2 (MANE Select); coding-DNA position 428, A replaced by G.
Protein change: p.Tyr143Cys; replaces tyrosine 143 with cysteine.
Molecular consequence: missense variant.
Genome position (GRCh38, 1-based): chr1:109,626,324, A>G. VCF-style: chr1-109626324-A-G. GRCh37 (hg19) VCF-style: chr1-110168946-A-G.
Other names: c.590A>G (NM_001257360.1); c.236A>G, p.Tyr79Cys (NM_001257361.2); c.365A>G, p.Tyr122Cys (NM_001308170.1); c.428A>G, p.Tyr143Cys (NM_004037.9); c.347A>G, p.Tyr116Cys (NM_139156.4); short protein forms Y116C, Y122C, Y143C, Y79C.
Identifiers: ClinVar variation 863422 (VCV000863422.9), dbSNP rs575582124, ClinGen allele CA992801.

ClinVar aggregate classification (germline): Uncertain significance (1 of 4 stars; one submission).

Conditions:
Hereditary spastic paraplegia 63. Also called: Spastic paraplegia 63, autosomal recessive. Identifiers: Orphanet 401805, MedGen C3810295, MONDO:0014305, OMIM 615686.
Pontocerebellar hypoplasia type 9. Identifiers: Orphanet 369920, MedGen C4014354, MONDO:0014351, OMIM 615809.

Allele frequency attached by ClinVar (database versions not stated): gnomAD 0.00001 and 0.00003; gnomAD exomes 0.00001 and 0.00005; TOPMed 0.00002; ExAC 0.00008; 1000 Genomes Project 0.00060; 1000 Genomes Project 30x 0.00062.
gnomAD v4.1: 18 of 1,613,588 alleles (0.0011%); highest among the groups gnomAD compares: East Asian, 0.036%; no homozygotes.

Submission:

Labcorp Genetics (formerly Invitae), Labcorp
Classification: Uncertain significance for Pontocerebellar hypoplasia type 9; Hereditary spastic paraplegia 63. Last evaluated: 2024-05-20. Review status: criteria provided, single submitter. Criteria: Invitae Variant Classification Sherloc (09022015). Collection method: clinical testing. Allele origin: germline.
Comment: This sequence change replaces tyrosine, which is neutral and polar, with cysteine, which is neutral and slightly polar, at codon 197 of the AMPD2 protein (p.Tyr197Cys). This variant is present in population databases (rs575582124, gnomAD 0.06%). This variant has not been reported in the literature in individuals affected with AMPD2-related conditions. ClinVar contains an entry for this variant (Variation ID: 863422). An algorithm developed to predict the effect of missense changes on protein structure and function (PolyPhen-2) suggests that this variant is likely to be disruptive. In summary, the available evidence is currently insufficient to determine the role of this variant in disease. Therefore, it has been classified as a Variant of Uncertain Significance.